The following is an entry in ClinVar:

NM_004415.4(DSP):c.4376C>G (p.Thr1459Arg)

Gene: DSP (desmoplakin; plus strand). Cytogenetic location: 6p24.3.
Variant type: single nucleotide variant.
Coding change: c.4376C>G on transcript NM_004415.4 (MANE Select); coding-DNA position 4376, C replaced by G.
Protein change: p.Thr1459Arg; replaces threonine 1459 with arginine.
Molecular consequence: missense variant. On other transcripts: intron variant (2).
Genome position (GRCh38, 1-based): chr6:7,580,566, C>G. VCF-style: chr6-7580566-C-G. GRCh37 (hg19) VCF-style: chr6-7580799-C-G.
Other names: c.4050+326C>G (NM_001319034.2); c.3582+794C>G (NM_001008844.3); short protein forms T1459R.
Identifiers: ClinVar variation 3273900 (VCV003273900.3).
Genomic context (GRCh38, chr6:7,580,566, plus strand): 5'-AGGTGTCTCAGAGGAAACAGCAGCTGGAGGTTGAGCTGAGACAAGTCACTCAGATGCGAA[C>G]AGAGGAGAGCGTAAGATATAAGCAATCTCTTGATGATGCTGCCAAAACCATCCAGGATAA-3'
Protein context (NP_004406.2, residues 1449-1469): VELRQVTQMR[Thr1459Arg]EESVRYKQSL

ClinVar aggregate classification (germline): Uncertain significance. Review status: criteria provided, multiple submitters, no conflicts (2 of 4 stars). 2 submissions from 2 submitters: Uncertain significance (2). Last evaluated 2024-05-21.

Conditions:
Arrhythmogenic right ventricular dysplasia 8 (ARVD8). Also called: Arrhythmogenic Right Ventricular Dysplasia/Cardiomyopathy 8; ARRHYTHMOGENIC RIGHT VENTRICULAR DYSPLASIA, FAMILIAL, 8; ARRHYTHMOGENIC RIGHT VENTRICULAR CARDIOMYOPATHY 8. Identifiers: MedGen C1843896, MONDO:0011831, OMIM 607450.
Arrhythmogenic cardiomyopathy with wooly hair and keratoderma. Also called: PALMOPLANTAR KERATODERMA WITH LEFT VENTRICULAR CARDIOMYOPATHY AND WOOLLY HAIR; Carvajal syndrome; Arrhythmogenic cardiomyopathy with woolly hair and keratoderma; Dilated cardiomyopathy with woolly hair and keratoderma. Identifiers: Orphanet 65282, MedGen C1854063, MONDO:0011581, OMIM 605676.
Cardiovascular phenotype. Identifiers: MedGen CN230736.

Submissions (2):

Ambry Genetics
Classification: Uncertain significance for Cardiovascular phenotype. Last evaluated: 2024-05-21. Review status: criteria provided, single submitter. Criteria: Ambry Variant Classification Scheme 2023. Collection method: clinical testing. Allele origin: germline.
Comment: The p.T1459R variant (also known as c.4376C>G), located in coding exon 23 of the DSP gene, results from a C to G substitution at nucleotide position 4376. The threonine at codon 1459 is replaced by arginine, an amino acid with similar properties. This amino acid position is conserved. In addition, this alteration is predicted to be tolerated by in silico analysis. Based on the available evidence, the clinical significance of this variant remains unclear.

Labcorp Genetics (formerly Invitae), Labcorp
Classification: Uncertain significance for Arrhythmogenic cardiomyopathy with wooly hair and keratoderma; Arrhythmogenic right ventricular dysplasia 8. Last evaluated: 2024-05-02. Review status: criteria provided, single submitter. Criteria: Invitae Variant Classification Sherloc (09022015). Collection method: clinical testing. Allele origin: germline.
Comment: This sequence change replaces threonine, which is neutral and polar, with arginine, which is basic and polar, at codon 1459 of the DSP protein (p.Thr1459Arg). This variant is not present in population databases (gnomAD no frequency). This variant has not been reported in the literature in individuals affected with DSP-related conditions. An algorithm developed to predict the effect of missense changes on protein structure and function (PolyPhen-2) suggests that this variant is likely to be tolerated. In summary, the available evidence is currently insufficient to determine the role of this variant in disease. Therefore, it has been classified as a Variant of Uncertain Significance.